The following is an entry in ClinVar:

NM_005751.5(AKAP9):c.9113G>T (p.Arg3038Leu)

Gene: AKAP9 (A-kinase anchoring protein 9; plus strand). Cytogenetic location: 7q21.2.
Variant type: single nucleotide variant.
Coding change: c.9113G>T on transcript NM_005751.5 (MANE Select); coding-DNA position 9113, G replaced by T.
Protein change: p.Arg3038Leu; replaces arginine 3038 with leucine.
Molecular consequence: missense variant.
Genome position (GRCh38, 1-based): chr7:92,086,316, G>T. VCF-style: chr7-92086316-G-T. GRCh37 (hg19) VCF-style: chr7-91715630-G-T.
Other names: c.3758G>T, p.Arg1253Leu (NM_001379277.1); c.9089G>T, p.Arg3030Leu (NM_147185.3); short protein forms R3030L, R1253L, R3038L.
Identifiers: ClinVar variation 4613410 (VCV004613410.1).

ClinVar aggregate classification (germline): Uncertain significance (1 of 4 stars; one submission).

Conditions:
Cardiovascular phenotype. Identifiers: MedGen CN230736.

gnomAD v4.1: 1 of 1,614,106 alleles (0.000062%); highest among the groups gnomAD compares: Non-Finnish European, 0.000085%; no homozygotes.

Submission:

Ambry Genetics
Classification: Uncertain significance for Cardiovascular phenotype. Last evaluated: 2025-11-15. Review status: criteria provided, single submitter. Criteria: Ambry Variant Classification Scheme 2023. Collection method: clinical testing. Allele origin: germline.
Comment: The p.R3038L variant (also known as c.9113G>T), located in coding exon 37 of the AKAP9 gene, results from a G to T substitution at nucleotide position 9113. The arginine at codon 3038 is replaced by leucine, an amino acid with dissimilar properties. This amino acid position is conserved. In addition, this alteration is predicted to be tolerated by in silico analysis. Based on the available evidence, the clinical significance of this variant remains unclear.